The following is an entry in ClinVar:

ClinVar aggregate classification (germline): Uncertain significance (1 of 4 stars; one submission).

Submission:

GeneDx
Classification: Uncertain significance. Last evaluated: 2015-07-20. Review status: criteria provided, single submitter. Criteria: GeneDx Variant Classification (06012015). Collection method: clinical testing. Allele origin: germline. Affected: yes.
Comment: p.Met11Arg (ATG>AGG): c.32 T>G in exon 2 of the PRRT2 gene (NM_145239.2); A variant of unknown significance has been identified in the PRRT2 gene. The M11R variant has not been published as a mutation, nor has it been reported as a benign polymorphism to our knowledge. It was not observed in approximately 6,500 individuals of European and African American ancestry in the NHLBI Exome Sequencing Project, indicating it is not a common benign variant in these populations. The M11R variant is a non-conservative amino acid substitution, which is likely to impact secondary protein structure as these residues differ in polarity, charge, size and/or other properties. In silico analysis predicts this variant is probably damaging to the protein structure/function. However, this substitution occurs at a position that is not conserved across species. Therefore, based on the currently available information, it is unclear whether this variant is a pathogenic mutation or a rare benign variant. The variant is found in EPILEPSY panel(s).

NM_145239.3(PRRT2):c.32T>G (p.Met11Arg)

Genes: MVP-DT (MVP divergent transcript; minus strand), PRRT2 (proline rich transmembrane protein 2; plus strand). Cytogenetic location: 16p11.2.
Variant type: single nucleotide variant.
Coding change: c.32T>G on transcript NM_145239.3 (MANE Select); coding-DNA position 32, T replaced by G.
Protein change: p.Met11Arg; replaces methionine 11 with arginine.
Molecular consequence: missense variant.
Genome position (GRCh38, 1-based): chr16:29,813,086, T>G. VCF-style: chr16-29813086-T-G. GRCh37 (hg19) VCF-style: chr16-29824407-T-G.
Other names: p.M11R:ATG>AGG; c.32T>G, p.Met11Arg (NM_001256442.2, NM_001256443.2); short protein forms M11R.
Identifiers: ClinVar variation 206697 (VCV000206697.2), dbSNP rs796052942, ClinGen allele CA317046.